The following is an entry in ClinVar:

ClinVar aggregate classification (germline): Conflicting classifications of pathogenicity. Review status: criteria provided, conflicting classifications (1 of 4 stars). 3 submissions from 3 submitters: Uncertain significance (1); Likely benign (1). 1 of the submissions does not count toward it. Last evaluated 2025-04-28.

Conditions:
Hereditary cancer-predisposing syndrome. Also called: Hereditary neoplastic syndrome; Neoplastic Syndromes, Hereditary; Tumor predisposition; Hereditary Cancer Syndrome. Identifiers: Orphanet 140162, MedGen C0027672, MeSH D009386, MONDO:0015356.
Bloom syndrome (BLM). Also called: Bloom-Torre-Machacek syndrome. Identifiers: Orphanet 125, MedGen C0005859, MONDO:0008876, OMIM 210900.

Allele frequency attached by ClinVar (database versions not stated): gnomAD exomes below 0.00001.
gnomAD v4.1: 3 of 1,613,192 alleles (0.00019%); highest among the groups gnomAD compares: Non-Finnish European, 0.00025%; no homozygotes.

Submissions (3):

Ambry Genetics
Classification: Likely benign for Hereditary cancer-predisposing syndrome. Last evaluated: 2025-04-28. Review status: criteria provided, single submitter. Criteria: Ambry Variant Classification Scheme 2023. Collection method: clinical testing. Allele origin: germline.

Labcorp Genetics (formerly Invitae), Labcorp
Classification: Uncertain significance for Bloom syndrome. Last evaluated: 2024-10-13. Review status: criteria provided, single submitter. Criteria: Invitae Variant Classification Sherloc (09022015). Collection method: clinical testing. Allele origin: germline.
Comment: This sequence change replaces leucine, which is neutral and non-polar, with arginine, which is basic and polar, at codon 511 of the BLM protein (p.Leu511Arg). This variant is not present in population databases (gnomAD no frequency). This variant has not been reported in the literature in individuals affected with BLM-related conditions. ClinVar contains an entry for this variant (Variation ID: 1005063). Invitae Evidence Modeling of protein sequence and biophysical properties (such as structural, functional, and spatial information, amino acid conservation, physicochemical variation, residue mobility, and thermodynamic stability) indicates that this missense variant is not expected to disrupt BLM protein function with a negative predictive value of 80%. In summary, the available evidence is currently insufficient to determine the role of this variant in disease. Therefore, it has been classified as a Variant of Uncertain Significance.

Natera, Inc.
Classification: Uncertain significance for Bloom syndrome. Last evaluated: 2018-03-24. Review status: no assertion criteria provided. Collection method: clinical testing. Allele origin: germline. Not counted in ClinVar's aggregate classification.

NM_000057.4(BLM):c.1532T>G (p.Leu511Arg)

Gene: BLM (BLM RecQ like helicase; plus strand). Cytogenetic location: 15q26.1.
Variant type: single nucleotide variant.
Coding change: c.1532T>G on transcript NM_000057.4 (MANE Select); coding-DNA position 1532, T replaced by G.
Protein change: p.Leu511Arg; replaces leucine 511 with arginine.
Molecular consequence: missense variant.
Genome position (GRCh38, 1-based): chr15:90,760,905, T>G. VCF-style: chr15-90760905-T-G. GRCh37 (hg19) VCF-style: chr15-91304135-T-G.
Other names: c.1532T>G (NM_000057.2); c.1532T>G, p.Leu511Arg (NM_001287246.2, NM_001287247.2); c.407T>G, p.Leu136Arg (NM_001287248.2); short protein forms L136R, L511R.
Identifiers: ClinVar variation 1005063 (VCV001005063.12), dbSNP rs1446287900, ClinGen allele CA393843264.